The following is an entry in ClinVar:

NM_017617.5(NOTCH1):c.1747G>A (p.Gly583Ser)

Gene: NOTCH1 (notch receptor 1; minus strand). Cytogenetic location: 9q34.3.
Variant type: single nucleotide variant.
Coding change: c.1747G>A on transcript NM_017617.5 (MANE Select); coding-DNA position 1747, G replaced by A.
Protein change: p.Gly583Ser; replaces glycine 583 with serine.
Molecular consequence: missense variant.
Genome position (GRCh38, 1-based): chr9:136,515,639, C>T on the plus strand (G>A on the coding strand, the complement: NOTCH1 is on the minus strand). VCF-style: chr9-136515639-C-T. GRCh37 (hg19) VCF-style: chr9-139410091-C-T.
Other names: c.1747G>A, p.Gly583Ser (LRG_1122t1); short protein forms G583S.
Identifiers: ClinVar variation 626577 (VCV000626577.14), dbSNP rs757066417, ClinGen allele CA5341640.

ClinVar aggregate classification (germline): Conflicting classifications of pathogenicity. Review status: criteria provided, conflicting classifications (1 of 4 stars). 6 submissions from 5 submitters: Uncertain significance (5); Benign (1). Last evaluated 2024-10-16.

Conditions:
Aortic valve disease 1 (AOVD1). Identifiers: MedGen C3887892, MONDO:0024523, OMIM 109730.
Adams-Oliver syndrome 5 (AOS5). Identifiers: Orphanet 974, MedGen C4014970, MONDO:0014459, OMIM 616028.
Familial thoracic aortic aneurysm and aortic dissection (TAAD). Also called: Thoracic aortic aneurysms and dissections. Identifiers: Orphanet 91387, MedGen C4707243, MONDO:0019625.

Allele frequency attached by ClinVar (database versions not stated): gnomAD exomes 0.00002 and 0.00003; ExAC 0.00006.
gnomAD v4.1: 33 of 1,598,180 alleles (0.0021%); highest among the groups gnomAD compares: South Asian, 0.016%; no homozygotes.

Submissions (6):

Ambry Genetics
Classification: Uncertain significance for Familial thoracic aortic aneurysm and aortic dissection. Last evaluated: 2024-10-16. Review status: criteria provided, single submitter. Criteria: Ambry Variant Classification Scheme 2023. Collection method: clinical testing. Allele origin: germline.

Labcorp Genetics (formerly Invitae), Labcorp
Classification: Benign for Adams-Oliver syndrome 5. Last evaluated: 2022-10-13. Review status: criteria provided, single submitter. Criteria: Invitae Variant Classification Sherloc (09022015). Collection method: clinical testing. Allele origin: germline.

Genome-Nilou Lab
Classification: Uncertain significance for Adams-Oliver syndrome 5. Last evaluated: 2022-03-15. Review status: criteria provided, single submitter. Criteria: ACMG Guidelines, 2015. Collection method: clinical testing. Allele origin: germline. Affected: no.

Genome-Nilou Lab
Classification: Uncertain significance for Aortic valve disease 1. Last evaluated: 2022-03-15. Review status: criteria provided, single submitter. Criteria: ACMG Guidelines, 2015. Collection method: clinical testing. Allele origin: germline. Affected: no.

GeneDx
Classification: Uncertain significance. Last evaluated: 2021-04-03. Review status: criteria provided, single submitter. Criteria: GeneDx Variant Classification Process June 2021. Collection method: clinical testing. Allele origin: germline. Affected: yes.
Comment: In silico analysis supports that this missense variant has a deleterious effect on protein structure/function; Has not been previously published as pathogenic or benign to our knowledge

CHEO Genetics Diagnostic Laboratory, Children's Hospital of Eastern Ontario
Classification: Uncertain significance for Familial thoracic aortic aneurysm and aortic dissection. Last evaluated: 2016-04-21. Review status: criteria provided, single submitter. Criteria: ACMG Guidelines, 2015. Collection method: clinical testing. Allele origin: germline. Study: Canadian Open Genetics Repository.